The following is an entry in ClinVar:

NM_007194.4(CHEK2):c.1159A>C (p.Thr387Pro)

Gene: CHEK2 (checkpoint kinase 2; minus strand). Cytogenetic location: 22q12.1.
Variant type: single nucleotide variant.
Coding change: c.1159A>C on transcript NM_007194.4 (MANE Select); coding-DNA position 1159, A replaced by C.
Protein change: p.Thr387Pro; replaces threonine 387 with proline.
Molecular consequence: missense variant.
Genome position (GRCh38, 1-based): chr22:28,695,810, T>G on the plus strand (A>C on the coding strand, the complement: CHEK2 is on the minus strand). VCF-style: chr22-28695810-T-G. GRCh37 (hg19) VCF-style: chr22-29091798-T-G.
Other names: c.1288A>C, p.Thr430Pro (NM_001005735.3); c.496A>C, p.Thr166Pro (NM_001257387.3); c.958A>C, p.Thr320Pro (NM_001349956.3); c.1072A>C, p.Thr358Pro (NM_145862.3); short protein forms T358P, T387P, T166P, T320P, T430P.
Identifiers: ClinVar variation 818448 (VCV000818448.5), dbSNP rs771387164, ClinGen allele CA411096863.

ClinVar aggregate classification (germline): Uncertain significance (1 of 4 stars; one submission).

Conditions:
Hereditary cancer-predisposing syndrome. Also called: Tumor predisposition; Hereditary neoplastic syndrome; Neoplastic Syndromes, Hereditary; Hereditary Cancer Syndrome. Identifiers: Orphanet 140162, MedGen C0027672, MeSH D009386, MONDO:0015356.

Allele frequency attached by ClinVar (database versions not stated): gnomAD exomes below 0.00001.
gnomAD v4.1: 1 of 1,613,770 alleles (0.000062%); highest among the groups gnomAD compares: South Asian, 0.0011%; no homozygotes.

Submission:

Ambry Genetics
Classification: Uncertain significance for Hereditary cancer-predisposing syndrome. Last evaluated: 2023-07-29. Review status: criteria provided, single submitter. Criteria: Ambry Variant Classification Scheme 2023. Collection method: clinical testing. Allele origin: germline.
Comment: The p.T387P variant (also known as c.1159A>C), located in coding exon 10 of the CHEK2 gene, results from an A to C substitution at nucleotide position 1159. The threonine at codon 387 is replaced by proline, an amino acid with highly similar properties. This amino acid position is highly conserved in available vertebrate species. In addition, this alteration is predicted to be deleterious by in silico analysis. Since supporting evidence is limited at this time, the clinical significance of this alteration remains unclear.